The following is an entry in ClinVar:

NM_014861.4(ATP2C2):c.1611G>A (p.Arg537=)

Gene: ATP2C2 (ATPase secretory pathway Ca2+ transporting 2; plus strand). Cytogenetic location: 16q24.1.
Variant type: single nucleotide variant.
Coding change: c.1611G>A on transcript NM_014861.4 (MANE Select); coding-DNA position 1611, G replaced by A.
Protein change: p.Arg537=; no amino-acid change (arginine 537 retained).
Molecular consequence: synonymous variant.
Genome position (GRCh38, 1-based): chr16:84,448,640, G>A. VCF-style: chr16-84448640-G-A. GRCh37 (hg19) VCF-style: chr16-84482246-G-A.
Other names: c.1611G>A, p.Arg537= (NM_001286527.3); c.1158G>A, p.Arg386= (NM_001291454.2).
Identifiers: ClinVar variation 3034761 (VCV003034761.2), dbSNP rs369706039, ClinGen allele CA8207479.

ClinVar aggregate classification (germline): Likely benign (0 of 4 stars; one submission).

Conditions:
ATP2C2-related disorder. Also called: ATP2C2-related condition.

Allele frequency attached by ClinVar (database versions not stated): TOPMed 0.00006; ESP Exome Variant Server 0.00008; gnomAD 0.00016; gnomAD exomes 0.00031; ExAC 0.00061; 1000 Genomes Project 0.00120; 1000 Genomes Project 30x 0.00125.
gnomAD v4.1: 486 of 1,613,962 alleles (0.03%); highest among the groups gnomAD compares: South Asian, 0.5%; 2 homozygotes.

Submission:

PreventionGenetics, part of Exact Sciences
Classification: Likely benign for ATP2C2-related condition. Last evaluated: 2021-01-11. Review status: no assertion criteria provided. Collection method: clinical testing. Allele origin: germline.
Comment: This variant is classified as likely benign based on ACMG/AMP sequence variant interpretation guidelines (Richards et al. 2015 PMID: 25741868, with internal and published modifications).